The following is an entry in ClinVar:

NM_001282933.2(ZNF341):c.538C>G (p.Pro180Ala)

Gene: ZNF341 (zinc finger protein 341; plus strand). Cytogenetic location: 20q11.22.
Variant type: single nucleotide variant.
Coding change: c.538C>G on transcript NM_001282933.2 (MANE Select); coding-DNA position 538, C replaced by G.
Protein change: p.Pro180Ala; replaces proline 180 with alanine.
Molecular consequence: missense variant. On other transcripts: non-coding transcript variant (1).
Genome position (GRCh38, 1-based): chr20:33,753,220, C>G. VCF-style: chr20-33753220-C-G. GRCh37 (hg19) VCF-style: chr20-32341026-C-G.
Other names: c.268C>G, p.Pro90Ala (NM_001282935.2); c.538C>G, p.Pro180Ala (NM_032819.5); c.538C>G (NM_032819.3); short protein forms P180A, P90A.
Identifiers: ClinVar variation 1362983 (VCV001362983.5), dbSNP rs373764478, ClinGen allele CA9819207.
Genomic context (GRCh38, chr20:33,753,220, plus strand): 5'-TTCTGATTTCAGAGCAGCCTGAACATGCATTCCGTGCCCAGCTACCTCACCCAGCCTCCA[C>G]CTCCTCCTCCACCTCCTCCACCACTGCCCCCACCGCCACCACCTCAGCCTCCACCACCTC-3'
Protein context (NP_001269862.1, residues 170-190): SVPSYLTQPP[Pro180Ala]PPPPPPPLPP

ClinVar aggregate classification (germline): Uncertain significance. Review status: criteria provided, multiple submitters, no conflicts (2 of 4 stars). 3 submissions from 3 submitters: Uncertain significance (3). Last evaluated 2024-10-23.

Allele frequency attached by ClinVar (database versions not stated): ExAC 0.00011; gnomAD 0.00013 and 0.00014; gnomAD exomes 0.00014; ESP Exome Variant Server 0.00015; TOPMed 0.00016.
gnomAD v4.1: 237 of 1,612,032 alleles (0.015%); highest among the groups gnomAD compares: Middle Eastern, 0.15%; no homozygotes.

Submissions (3):

Blueprint Genetics
Classification: Uncertain significance. Last evaluated: 2024-10-23. Review status: criteria provided, single submitter. Criteria: ACMG Guidelines, 2015. Collection method: clinical testing. Allele origin: germline.

Ambry Genetics
Classification: Uncertain significance. Last evaluated: 2024-05-08. Review status: criteria provided, single submitter. Criteria: Ambry Variant Classification Scheme 2023. Collection method: clinical testing. Allele origin: germline.

Labcorp Genetics (formerly Invitae), Labcorp
Classification: Uncertain significance. Last evaluated: 2022-10-05. Review status: criteria provided, single submitter. Criteria: Invitae Variant Classification Sherloc (09022015). Collection method: clinical testing. Allele origin: germline.
Comment: This sequence change replaces proline, which is neutral and non-polar, with alanine, which is neutral and non-polar, at codon 180 of the ZNF341 protein (p.Pro180Ala). This variant is present in population databases (rs373764478, gnomAD 0.02%). This variant has not been reported in the literature in individuals affected with ZNF341-related conditions. ClinVar contains an entry for this variant (Variation ID: 1362983). Algorithms developed to predict the effect of missense changes on protein structure and function are either unavailable or do not agree on the potential impact of this missense change (SIFT: "Tolerated"; PolyPhen-2: "Possibly Damaging"; Align-GVGD: "Class C0"). Algorithms developed to predict the effect of sequence changes on RNA splicing suggest that this variant may create or strengthen a splice site. In summary, the available evidence is currently insufficient to determine the role of this variant in disease. Therefore, it has been classified as a Variant of Uncertain Significance.